The following is an entry in ClinVar:

ClinVar aggregate classification (germline): Uncertain significance. Review status: criteria provided, multiple submitters, no conflicts (2 of 4 stars). 2 submissions from 2 submitters: Uncertain significance (2). Last evaluated 2025-11-26.

Conditions:
Inborn genetic diseases. Identifiers: MedGen C0950123, MeSH D030342.

gnomAD v4.1: 1 of 1,612,646 alleles (0.000062%); highest among the groups gnomAD compares: Non-Finnish European, 0.000085%; no homozygotes.

Submissions (2):

Ambry Genetics
Classification: Uncertain significance for Inborn genetic diseases. Last evaluated: 2025-11-26. Review status: criteria provided, single submitter. Criteria: Ambry Variant Classification Scheme 2023. Collection method: clinical testing. Allele origin: germline.

Labcorp Genetics (formerly Invitae), Labcorp
Classification: Uncertain significance. Last evaluated: 2024-02-01. Review status: criteria provided, single submitter. Criteria: Invitae Variant Classification Sherloc (09022015). Collection method: clinical testing. Allele origin: germline.
Comment: This sequence change replaces threonine, which is neutral and polar, with isoleucine, which is neutral and non-polar, at codon 649 of the MECOM protein (p.Thr649Ile). This variant is not present in population databases (gnomAD no frequency). This variant has not been reported in the literature in individuals affected with MECOM-related conditions. An algorithm developed to predict the effect of missense changes on protein structure and function (PolyPhen-2) suggests that this variant is likely to be tolerated. In summary, the available evidence is currently insufficient to determine the role of this variant in disease. Therefore, it has been classified as a Variant of Uncertain Significance.

NM_004991.4(MECOM):c.2510C>T (p.Thr837Ile)

Gene: MECOM (MDS1 and EVI1 complex locus; minus strand). Cytogenetic location: 3q26.2.
Variant type: single nucleotide variant.
Coding change: c.2510C>T on transcript NM_004991.4 (MANE Select); coding-DNA position 2510, C replaced by T.
Protein change: p.Thr837Ile; replaces threonine 837 with isoleucine.
Molecular consequence: missense variant.
Genome position (GRCh38, 1-based): chr3:169,112,854, G>A on the plus strand (C>T on the coding strand, the complement: MECOM is on the minus strand). VCF-style: chr3-169112854-G-A. GRCh37 (hg19) VCF-style: chr3-168830642-G-A.
Other names: c.1946C>T, p.Thr649Ile (NM_001366469.2, NM_001366471.2, NM_001366472.2 and 4 more transcripts); c.1949C>T, p.Thr650Ile (NM_001366470.2, NM_001163999.2, NM_001366467.2 and 1 more transcripts); c.1538C>T, p.Thr513Ile (NM_001366473.2); c.974C>T, p.Thr325Ile (NM_001366474.2); c.2141C>T, p.Thr714Ile (NM_001105077.4); c.2510C>T, p.Thr837Ile (NM_001366466.2); c.2510C>T (NM_004991.3); short protein forms T513I, T325I, T714I, T649I, T650I, T837I.
Identifiers: ClinVar variation 3638157 (VCV003638157.3).